The following is an entry in ClinVar:

ClinVar aggregate classification (germline): Likely benign. Review status: criteria provided, multiple submitters, no conflicts (2 of 4 stars). 2 submissions from 2 submitters: Likely benign (2). Last evaluated 2025-08-31.

Conditions:
Cystic fibrosis (CF). Also called: MUCOVISCIDOSIS. Identifiers: Orphanet 586, MedGen C0010674, MONDO:0009061, OMIM 219700. Disease mechanism: loss of function.
CFTR-related disorder (CFTR-RD). Also called: CFTR-related disorders; CFTR-related condition. Identifiers: MedGen C5924204, MONDO:7770004.

Submissions (2):

PreventionGenetics, part of Exact Sciences
Classification: Likely benign for CFTR-related condition. Last evaluated: 2025-08-31. Review status: criteria provided, single submitter. Criteria: ACMG Guidelines, 2015. Collection method: clinical testing. Allele origin: germline.
Comment: This variant is classified as likely benign based on ACMG/AMP sequence variant interpretation guidelines (Richards et al. 2015 PMID: 25741868, with internal and published modifications).

Labcorp Genetics (formerly Invitae), Labcorp
Classification: Likely benign for Cystic fibrosis. Last evaluated: 2020-06-29. Review status: criteria provided, single submitter. Criteria: Invitae Variant Classification Sherloc (09022015). Collection method: clinical testing. Allele origin: germline.

NM_000492.4(CFTR):c.3964-7A>T

Gene: CFTR (CF transmembrane conductance regulator; plus strand). Cytogenetic location: 7q31.2.
Variant type: single nucleotide variant.
Coding change: c.3964-7A>T on transcript NM_000492.4 (MANE Select); 7 bases into the intron before coding-DNA position 3964, A replaced by T.
Molecular consequence: intron variant.
Genome position (GRCh38, 1-based): chr7:117,664,681, A>T. VCF-style: chr7-117664681-A-T. GRCh37 (hg19) VCF-style: chr7-117304735-A-T.
Other names: c.3964-7A>T (NM_000492.3).
Identifiers: ClinVar variation 1091274 (VCV001091274.10), dbSNP rs2116220618, ClinGen allele CA2499218700.